The following is an entry in ClinVar:

ClinVar aggregate classification (germline): Benign (1 of 4 stars; one submission).

Conditions:
Immunodeficiency 27A (IMD27A). Also called: IMMUNODEFICIENCY 27A, MYCOBACTERIOSIS, AUTOSOMAL RECESSIVE; IFNGR1 DEFICIENCY, AUTOSOMAL RECESSIVE. Identifiers: Orphanet 319569, Orphanet 99898, MedGen C4011949, MONDO:0008856, OMIM 209950.

Allele frequency attached by ClinVar (database versions not stated): gnomAD 0.00763 and 0.01632; TOPMed 0.01169; gnomAD exomes 0.03420; 1000 Genomes Project 30x 0.07199; 1000 Genomes Project 0.07448.
gnomAD v4.1: 15,098 of 529,282 alleles (2.9%); highest among the groups gnomAD compares: South Asian, 24%; 1,618 homozygotes.

Submission:

Illumina Laboratory Services, Illumina
Classification: Benign for Immunodeficiency 27A. Last evaluated: 2018-01-12. Review status: criteria provided, single submitter. Criteria: ICSL Variant Classification Criteria 13 December 2019. Collection method: clinical testing. Allele origin: germline.
Comment: This variant was observed in the ICSL laboratory as part of a predisposition screen in an ostensibly healthy population. It had not been previously curated by ICSL or reported in the Human Gene Mutation Database (HGMD: prior to June 1st, 2018), and was therefore a candidate for classification through an automated scoring system. Utilizing variant allele frequency, disease prevalence and penetrance estimates, and inheritance mode, an automated score was calculated to assess if this variant is too frequent to cause the disease. Based on the score and internal cut-off values, a variant classified as benign is not then subjected to further curation. The score for this variant resulted in a classification of benign for this disease.

NM_000416.3(IFNGR1):c.*217T>A

Gene: IFNGR1 (interferon gamma receptor 1; minus strand). Cytogenetic location: 6q23.3.
Variant type: single nucleotide variant.
Coding change: c.*217T>A on transcript NM_000416.3 (MANE Select); 217 bases downstream of the stop codon, T replaced by A.
Molecular consequence: 3 prime UTR variant.
Genome position (GRCh38, 1-based): chr6:137,197,814, A>T on the plus strand (T>A on the coding strand, the complement: IFNGR1 is on the minus strand). VCF-style: chr6-137197814-A-T. GRCh37 (hg19) VCF-style: chr6-137518951-A-T.
Other names: c.*217T>A (NM_001363526.1, NM_001363527.1).
Identifiers: ClinVar variation 355548 (VCV000355548.5), dbSNP rs1887417, ClinGen allele CA10621519.